The following is an entry in ClinVar:

ClinVar aggregate classification (germline): Likely benign. Review status: criteria provided, single submitter (1 of 4 stars). 2 submissions from 2 submitters: Likely benign (1). 1 of the submissions does not count toward it. Last evaluated 2023-09-27.

Conditions:
Perlman syndrome (PRLMNS). Identifiers: Orphanet 2849, MedGen C0796113, MONDO:0009965, OMIM 267000.
DIS3L2-related disorder. Also called: DIS3L2-related condition.

Allele frequency attached by ClinVar (database versions not stated): gnomAD exomes below 0.00001 and 0.00001.
gnomAD v4.1: 3 of 1,613,992 alleles (0.00019%); highest among the groups gnomAD compares: South Asian, 0.0033%; no homozygotes.

Submissions (2):

Labcorp Genetics (formerly Invitae), Labcorp
Classification: Likely benign for Perlman syndrome. Last evaluated: 2023-09-27. Review status: criteria provided, single submitter. Criteria: Invitae Variant Classification Sherloc (09022015). Collection method: clinical testing. Allele origin: germline.

PreventionGenetics, part of Exact Sciences
Classification: Likely benign for DIS3L2-related condition. Last evaluated: 2020-10-26. Review status: no assertion criteria provided. Collection method: clinical testing. Allele origin: germline. Not counted in ClinVar's aggregate classification.
Comment: This variant is classified as likely benign based on ACMG/AMP sequence variant interpretation guidelines (Richards et al. 2015 PMID: 25741868, with internal and published modifications).

NM_152383.5(DIS3L2):c.715T>C (p.Leu239=)

Gene: DIS3L2 (DIS3 like 3'-5' exoribonuclease 2; plus strand). Cytogenetic location: 2q37.1.
Variant type: single nucleotide variant.
Coding change: c.715T>C on transcript NM_152383.5 (MANE Select); coding-DNA position 715, T replaced by C.
Protein change: p.Leu239=; no amino-acid change (leucine 239 retained).
Molecular consequence: synonymous variant. On other transcripts: non-coding transcript variant (1).
Genome position (GRCh38, 1-based): chr2:232,136,484, T>C. VCF-style: chr2-232136484-T-C. GRCh37 (hg19) VCF-style: chr2-233001194-T-C.
Other names: c.715T>C, p.Leu239= (NM_001257281.2); c.715T>C (NM_152383.4).
Identifiers: ClinVar variation 1143004 (VCV001143004.11), dbSNP rs1306231743, ClinGen allele CA431909280.